The following is an entry in ClinVar:

ClinVar aggregate classification (germline): Uncertain significance (1 of 4 stars; one submission).

Conditions:
Progressive sclerosing poliodystrophy (MTDPS4A). Also called: Mitochondrial DNA Depletion Syndrome 4A; ALPERS PROGRESSIVE INFANTILE POLIODYSTROPHY; NEURONAL DEGENERATION OF CHILDHOOD WITH LIVER DISEASE, PROGRESSIVE; Mitochondrial DNA depletion syndrome 4A (Alpers type); Alpers Syndrome; ALPERS DIFFUSE DEGENERATION OF CEREBRAL GRAY MATTER WITH HEPATIC CIRRHOSIS. Identifiers: Orphanet 726, MedGen C0205710, MONDO:0008758, OMIM 203700.

Submission:

Labcorp Genetics (formerly Invitae), Labcorp
Classification: Uncertain significance for Progressive sclerosing poliodystrophy. Last evaluated: 2022-08-05. Review status: criteria provided, single submitter. Criteria: Invitae Variant Classification Sherloc (09022015). Collection method: clinical testing. Allele origin: germline.
Comment: In summary, the available evidence is currently insufficient to determine the role of this variant in disease. Therefore, it has been classified as a Variant of Uncertain Significance. Variants that disrupt the consensus splice site are a relatively common cause of aberrant splicing (PMID: 17576681, 9536098). Algorithms developed to predict the effect of sequence changes on RNA splicing suggest that this variant is not likely to affect RNA splicing. This variant has not been reported in the literature in individuals affected with POLG-related conditions. This variant is not present in population databases (gnomAD no frequency). This sequence change falls in intron 21 of the POLG gene. It does not directly change the encoded amino acid sequence of the POLG protein. It affects a nucleotide within the consensus splice site.

Literature cited by the submitters: PubMed 17576681; PubMed 9536098.

NM_002693.3(POLG):c.3482+5G>A

Gene: POLG (DNA polymerase gamma, catalytic subunit; minus strand). Cytogenetic location: 15q26.1.
Variant type: single nucleotide variant.
Coding change: c.3482+5G>A on transcript NM_002693.3 (MANE Select); 5 bases into the intron after coding-DNA position 3482, G replaced by A.
Molecular consequence: intron variant.
Genome position (GRCh38, 1-based): chr15:89,318,536, C>T on the plus strand (G>A on the coding strand, the complement: POLG is on the minus strand). VCF-style: chr15-89318536-C-T. GRCh37 (hg19) VCF-style: chr15-89861767-C-T.
Other names: c.3482+5G>A (NM_001126131.2).
Identifiers: ClinVar variation 2021737 (VCV002021737.4), dbSNP rs2509201468, ClinGen allele CA2580090190.
Genomic context (GRCh38, chr15:89,318,536, plus strand): 5'-GAACGCTCACCCAAAGCCCCACATAGGAGCACATGGCCAGGCTAGAGGCCATGGGCCCCG[C>T]ATACCTGGTCAAGAGGTTGGTGATCTGCAAGGCCAGGGCAGCGCGGTAGCGGTCCTCCTC-3'